The following is an entry in ClinVar:

NM_001384474.1(LOXHD1):c.2842del (p.Glu948fs)

Gene: LOXHD1 (lipoxygenase homology PLAT domains 1; minus strand). Cytogenetic location: 18q21.1.
Variant type: Deletion.
Coding change: c.2842del on transcript NM_001384474.1 (MANE Select); coding-DNA position 2842, one base deleted (G; older notation c.2842delG).
Protein change: p.Glu948fs; shifts the reading frame from glutamic acid 948.
Molecular consequence: frameshift variant.
Genome position (GRCh38, 1-based): chr18:46,560,302, C deleted on the plus strand (G on the coding strand, the reverse complement: LOXHD1 is on the minus strand). VCF-style (leftmost placement, unchanged base first): chr18-46560301-TC-T. GRCh37 (hg19) VCF-style: chr18-44140264-TC-T.
Other names: c.2842del, p.Glu948fs (NM_144612.7); short protein forms E948fs.
Identifiers: ClinVar variation 1333469 (VCV001333469.1), dbSNP rs2144013371, ClinGen allele CA913107092.

ClinVar aggregate classification (germline): Likely pathogenic (1 of 4 stars; one submission).

Conditions:
Autosomal recessive nonsyndromic hearing loss 77. Identifiers: Orphanet 90636, MedGen C2746083, MONDO:0013119, OMIM 613079.

Submission:

3billion
Classification: Likely pathogenic for Autosomal recessive nonsyndromic hearing loss 77. Last evaluated: 2022-01-03. Review status: criteria provided, single submitter. Criteria: ACMG Guidelines, 2015. Collection method: clinical testing. Allele origin: germline. Affected: yes. Observed: 1 heterozygote.
Comment: Frameshift: predicted to result in a loss or disruption of normal protein function through nonsense-mediated decay (NMD) or protein truncation. Multiple pathogenic variants are reported downstream of the variant (PVS1_VS). It is not observed in the gnomAD v2.1.1 dataset (PM2_M). Therefore, this variant is classified as likely pathogenic according to the recommendation of ACMG/AMP guideline.